The following is an entry in ClinVar:

NM_024675.4(PALB2):c.1792C>T (p.Leu598=)

Gene: PALB2 (partner and localizer of BRCA2; minus strand). Cytogenetic location: 16p12.2.
Variant type: single nucleotide variant.
Coding change: c.1792C>T on transcript NM_024675.4 (MANE Select); coding-DNA position 1792, C replaced by T.
Protein change: p.Leu598=; no amino-acid change (leucine 598 retained).
Molecular consequence: synonymous variant.
Genome position (GRCh38, 1-based): chr16:23,630,362, G>A on the plus strand (C>T on the coding strand, the complement: PALB2 is on the minus strand). VCF-style: chr16-23630362-G-A. GRCh37 (hg19) VCF-style: chr16-23641683-G-A.
Identifiers: ClinVar variation 215927 (VCV000215927.28), dbSNP rs746702349, ClinGen allele CA335908.

ClinVar aggregate classification (germline): Benign/Likely benign. Review status: criteria provided, multiple submitters, no conflicts (2 of 4 stars). 7 submissions from 7 submitters: Benign (1); Likely benign (6). Last evaluated 2025-11-05.

Conditions:
Hereditary cancer-predisposing syndrome. Also called: Hereditary neoplastic syndrome; Neoplastic Syndromes, Hereditary; Tumor predisposition; Hereditary Cancer Syndrome. Identifiers: Orphanet 140162, MedGen C0027672, MeSH D009386, MONDO:0015356.
Familial cancer of breast. Also called: BREAST CANCER, FAMILIAL; Hereditary breast cancer; hereditary breast carcinoma. Identifiers: Orphanet 227535, MedGen C0346153, MONDO:0016419, OMIM 114480. Disease mechanism: loss of function.

Allele frequency attached by ClinVar (database versions not stated): gnomAD exomes below 0.00001; TOPMed below 0.00001; ExAC 0.00001; gnomAD 0.00001.
gnomAD v4.1: 2 of 1,613,888 alleles (0.00012%); highest among the groups gnomAD compares: African/African-American, 0.0027%; no homozygotes.

Submissions (7):

Labcorp Genetics (formerly Invitae), Labcorp
Classification: Likely benign for Familial cancer of breast. Last evaluated: 2025-11-05. Review status: criteria provided, single submitter. Criteria: Invitae Variant Classification Sherloc (09022015). Collection method: clinical testing. Allele origin: germline.

Myriad Genetics, Inc.
Classification: Benign for Familial cancer of breast. Last evaluated: 2025-01-14. Review status: criteria provided, single submitter. Criteria: Myriad Autosomal Dominant, Autosomal Recessive and X-Linked Classification Criteria (2023). Collection method: clinical testing. Allele origin: unknown.
Comment: This variant is considered benign. This variant is a silent/synonymous amino acid change and it is not expected to impact splicing.

ARUP Laboratories, Molecular Genetics and Genomics, ARUP Laboratories
Classification: Likely benign. Last evaluated: 2019-10-13. Review status: criteria provided, single submitter. Criteria: ARUP Molecular Germline Variant Investigation Process. Collection method: clinical testing. Allele origin: germline.

Women's Health and Genetics/Laboratory Corporation of America, LabCorp
Classification: Likely benign. Last evaluated: 2019-08-29. Review status: criteria provided, single submitter. Criteria: LabCorp Variant Classification Summary - May 2015. Collection method: clinical testing. Allele origin: germline.

GeneDx
Classification: Likely benign. Last evaluated: 2018-04-26. Review status: criteria provided, single submitter. Criteria: GeneDx Variant Classification Process June 2021. Collection method: clinical testing. Allele origin: germline. Affected: yes.

Ambry Genetics
Classification: Likely benign for Hereditary cancer-predisposing syndrome. Last evaluated: 2018-01-19. Review status: criteria provided, single submitter. Criteria: Ambry Variant Classification Scheme 2023. Collection method: clinical testing. Allele origin: germline.

Color Diagnostics, LLC DBA Color Health
Classification: Likely benign for Hereditary cancer-predisposing syndrome. Last evaluated: 2017-06-29. Review status: criteria provided, single submitter. Criteria: ACMG Guidelines, 2015. Collection method: clinical testing. Allele origin: germline.